The following is an entry in ClinVar:

ClinVar aggregate classification (germline): Uncertain significance (1 of 4 stars; one submission).

Conditions:
Koolen-de Vries syndrome (KDVS). Identifiers: Orphanet 96169, MedGen C1864871, MONDO:0012496, OMIM 610443.

Allele frequency attached by ClinVar (database versions not stated): TOPMed below 0.00001; ExAC 0.00001; gnomAD 0.00001.
gnomAD v4.1: 10 of 1,511,336 alleles (0.00066%); highest among the groups gnomAD compares: Non-Finnish European, 0.00092%; no homozygotes.

Submission:

Labcorp Genetics (formerly Invitae), Labcorp
Classification: Uncertain significance for Koolen-de Vries syndrome. Last evaluated: 2025-10-02. Review status: criteria provided, single submitter. Criteria: Invitae Variant Classification Sherloc (09022015). Collection method: clinical testing. Allele origin: germline.
Comment: This sequence change replaces serine, which is neutral and polar, with phenylalanine, which is neutral and non-polar, at codon 514 of the KANSL1 protein (p.Ser514Phe). This variant is present in population databases (rs755595611, gnomAD 0.002%). This variant has not been reported in the literature in individuals affected with KANSL1-related conditions. ClinVar contains an entry for this variant (Variation ID: 2136735). Invitae Evidence Modeling of protein sequence and biophysical properties (such as structural, functional, and spatial information, amino acid conservation, physicochemical variation, residue mobility, and thermodynamic stability) indicates that this missense variant is not expected to disrupt KANSL1 protein function with a negative predictive value of 80%. In summary, the available evidence is currently insufficient to determine the role of this variant in disease. Therefore, it has been classified as a Variant of Uncertain Significance.

NM_015443.4(KANSL1):c.1541C>T (p.Ser514Phe)

Gene: KANSL1 (KAT8 regulatory NSL complex subunit 1). Cytogenetic location: 17q21.31.
Variant type: single nucleotide variant.
Coding change: c.1541C>T on transcript NM_015443.4 (MANE Select); coding-DNA position 1541, C replaced by T.
Protein change: p.Ser514Phe; replaces serine 514 with phenylalanine.
Molecular consequence: missense variant.
Genome position (GRCh38, 1-based): chr17:46,067,660, G>A on the plus strand (C>T on the coding strand, the complement: KANSL1 is on the minus strand). VCF-style: chr17-46067660-G-A. GRCh37 (hg19) VCF-style: chr17-44145026-G-A.
Other names: c.1541C>T, p.Ser514Phe (NM_001193465.2, NM_001193466.2, NM_001379198.1 and 14 more transcripts); c.1439C>T, p.Ser480Phe (NM_001405859.1, NM_001405860.1, NM_001405861.1 and 1 more transcripts); c.275C>T, p.Ser92Phe (NM_001405885.1, NM_001405882.1, NM_001405883.1 and 1 more transcripts); short protein forms S480F, S514F, S92F.
Identifiers: ClinVar variation 2136735 (VCV002136735.4), dbSNP rs755595611, ClinGen allele CA291126882.